The following is an entry in ClinVar:

NM_004656.4(BAP1):c.378C>A (p.Ser126Arg)

Gene: BAP1 (BRCA1 associated deubiquitinase 1; minus strand). Cytogenetic location: 3p21.1.
Variant type: single nucleotide variant.
Coding change: c.378C>A on transcript NM_004656.4 (MANE Select); coding-DNA position 378, C replaced by A.
Protein change: p.Ser126Arg; replaces serine 126 with arginine.
Molecular consequence: missense variant.
Genome position (GRCh38, 1-based): chr3:52,407,458, G>T on the plus strand (C>A on the coding strand, the complement: BAP1 is on the minus strand). VCF-style: chr3-52407458-G-T. GRCh37 (hg19) VCF-style: chr3-52441474-G-T.
Other names: c.378C>A, p.Ser126Arg (NM_001410772.1); short protein forms S126R.
Identifiers: ClinVar variation 2709392 (VCV002709392.3), dbSNP rs746830670, ClinGen allele CA353111350.

ClinVar aggregate classification (germline): Uncertain significance (1 of 4 stars; one submission).

Conditions:
BAP1-related tumor predisposition syndrome (TPDS1). Also called: Tumor susceptibility linked to germline BAP1 mutations; TUMOR PREDISPOSITION SYNDROME 1; BAP1 tumor predisposition syndrome; COMMON Syndrome. Identifiers: Orphanet 289539, MedGen C3280492, MONDO:0013692, OMIM 614327.

Submission:

Labcorp Genetics (formerly Invitae), Labcorp
Classification: Uncertain significance for BAP1-related tumor predisposition syndrome. Last evaluated: 2024-01-14. Review status: criteria provided, single submitter. Criteria: Invitae Variant Classification Sherloc (09022015). Collection method: clinical testing. Allele origin: germline.
Comment: This sequence change replaces serine, which is neutral and polar, with arginine, which is basic and polar, at codon 126 of the BAP1 protein (p.Ser126Arg). This variant is not present in population databases (gnomAD no frequency). This variant has not been reported in the literature in individuals affected with BAP1-related conditions. An algorithm developed to predict the effect of missense changes on protein structure and function (PolyPhen-2) suggests that this variant is likely to be disruptive. In summary, the available evidence is currently insufficient to determine the role of this variant in disease. Therefore, it has been classified as a Variant of Uncertain Significance.